The following is an entry in ClinVar:

ClinVar aggregate classification (germline): Uncertain significance (1 of 4 stars; one submission).

gnomAD v4.1: 2 of 1,599,842 alleles (0.00013%); highest among the groups gnomAD compares: Non-Finnish European, 0.00017%; no homozygotes.

Submission:

Labcorp Genetics (formerly Invitae), Labcorp
Classification: Uncertain significance. Last evaluated: 2025-12-31. Review status: criteria provided, single submitter. Criteria: Invitae Variant Classification Sherloc (09022015). Collection method: clinical testing. Allele origin: germline.
Comment: This sequence change creates a premature translational stop signal (p.Tyr500*) in the IL12RB2 gene. It is expected to result in an absent or disrupted protein product. However, the current clinical and genetic evidence is not sufficient to establish whether loss-of-function variants in IL12RB2 cause disease. This variant is not present in population databases (gnomAD no frequency). This variant has not been reported in the literature in individuals affected with IL12RB2-related conditions. Algorithms developed to predict the effect of sequence changes on RNA splicing suggest that this variant may disrupt the consensus splice site. In summary, the available evidence is currently insufficient to determine the role of this variant in disease. Therefore, it has been classified as a Variant of Uncertain Significance.

NM_001374259.2(IL12RB2):c.1500T>A (p.Tyr500Ter)

Gene: IL12RB2 (interleukin 12 receptor subunit beta 2; plus strand). Cytogenetic location: 1p31.3.
Variant type: single nucleotide variant.
Coding change: c.1500T>A on transcript NM_001374259.2 (MANE Select); coding-DNA position 1500, T replaced by A.
Protein change: p.Tyr500Ter; replaces tyrosine 500 with a stop codon.
Molecular consequence: nonsense. On other transcripts: non-coding transcript variant (2), intron variant (1).
Genome position (GRCh38, 1-based): chr1:67,372,476, T>A. VCF-style: chr1-67372476-T-A. GRCh37 (hg19) VCF-style: chr1-67838159-T-A.
Other names: c.1500T>A, p.Tyr500Ter (NM_001258214.1, NM_001258216.1, NM_001319233.1 and 1 more transcripts); c.1459+4451T>A (NM_001258215.1); short protein forms Y500*.
Identifiers: ClinVar variation 4776067 (VCV004776067.1).